The following is an entry in ClinVar:

ClinVar aggregate classification (germline): Uncertain significance (1 of 4 stars; one submission).

Submission:

CeGaT Center for Human Genetics Tuebingen
Classification: Uncertain significance. Last evaluated: 2024-09-01. Review status: criteria provided, single submitter. Criteria: CeGaT Center For Human Genetics Tuebingen Variant Classification Criteria Version 2. Collection method: clinical testing. Allele origin: germline. Affected: yes. Observed: 1 variant allele.
Comment: SMARCC1: PM2, PP3

NM_003074.4(SMARCC1):c.1555G>A (p.Val519Met)

Gene: SMARCC1 (SWI/SNF related BAF chromatin remodeling complex subunit C1; minus strand). Cytogenetic location: 3p21.31.
Variant type: single nucleotide variant.
Coding change: c.1555G>A on transcript NM_003074.4 (MANE Select); coding-DNA position 1555, G replaced by A.
Protein change: p.Val519Met; replaces valine 519 with methionine.
Molecular consequence: missense variant.
Genome position (GRCh38, 1-based): chr3:47,678,214, C>T on the plus strand (G>A on the coding strand, the complement: SMARCC1 is on the minus strand). VCF-style: chr3-47678214-C-T. GRCh37 (hg19) VCF-style: chr3-47719704-C-T.
Other names: short protein forms V519M.
Identifiers: ClinVar variation 3389736 (VCV003389736.14).